The following is an entry in ClinVar:

ClinVar aggregate classification (germline): Pathogenic (1 of 4 stars; one submission).

Conditions:
HYPERHOMOCYSTEINEMIA, THROMBOTIC, CBS-RELATED. Identifiers: MedGen C3150344, OMIM 236200.

Submission:

Labcorp Genetics (formerly Invitae), Labcorp
Classification: Pathogenic for HYPERHOMOCYSTEINEMIA, THROMBOTIC, CBS-RELATED. Last evaluated: 2023-08-16. Review status: criteria provided, single submitter. Criteria: Invitae Variant Classification Sherloc (09022015). Collection method: clinical testing. Allele origin: unknown.
Comment: For these reasons, this variant has been classified as Pathogenic. This variant has not been reported in the literature in individuals affected with CBS-related conditions. This variant is a gross deletion of the genomic region encompassing exon(s) 3 of the CBS gene, which includes the initiator codon. This deletion extends beyond the assayed region for this gene and therefore may encompass additional genes. It is expected to result in an absent or disrupted protein product. Loss-of-function variants in CBS are known to be pathogenic (PMID: 10338090, 12124992).

Literature cited by the submitters: PubMed 10338090; PubMed 12124992.

NC_000021.8:g.(?_44492075)_(44492303_?)del

Gene: CBS (cystathionine beta-synthase; minus strand). Cytogenetic location: 21q22.3.
Variant type: Deletion.
Identifiers: ClinVar variation 3248155 (VCV003248155.1).